The following is an entry in ClinVar:

ClinVar aggregate classification (germline): Uncertain significance (1 of 4 stars; one submission).

gnomAD v4.1: 1 of 1,611,412 alleles (0.000062%); highest among the groups gnomAD compares: South Asian, 0.0011%; no homozygotes.

Submission:

GeneDx
Classification: Uncertain significance. Last evaluated: 2024-10-30. Review status: criteria provided, single submitter. Criteria: GeneDx Variant Classification Process June 2021. Collection method: clinical testing. Allele origin: germline. Affected: yes.
Comment: Not observed at significant frequency in large population cohorts (gnomAD); In silico analysis indicates that this missense variant does not alter protein structure/function; Has not been previously published as pathogenic or benign to our knowledge

NM_002430.3(MN1):c.2468G>A (p.Ser823Asn)

Gene: MN1 (MN1 proto-oncogene, transcriptional regulator; minus strand). Cytogenetic location: 22q12.1.
Variant type: single nucleotide variant.
Coding change: c.2468G>A on transcript NM_002430.3 (MANE Select); coding-DNA position 2468, G replaced by A.
Protein change: p.Ser823Asn; replaces serine 823 with asparagine.
Molecular consequence: missense variant.
Genome position (GRCh38, 1-based): chr22:27,798,076, C>T on the plus strand (G>A on the coding strand, the complement: MN1 is on the minus strand). VCF-style: chr22-27798076-C-T. GRCh37 (hg19) VCF-style: chr22-28194064-C-T.
Other names: short protein forms S823N.
Identifiers: ClinVar variation 3897522 (VCV003897522.1).
Genomic context (GRCh38, chr22:27,798,076, plus strand): 5'-TTGGGGGCCCCGAGGCTGGCGATCATGTTCTGGCAAGCGGTGGAGAGCGCAGCCAGGCAG[C>T]TCTGGCCGAACAGGTTGTCCTTGGAGCTGGGCTTGTTGAAGGAGCCCAGCGAGAGCGCGC-3'
Protein context (NP_002421.3, residues 813-833): PSSKDNLFGQ[Ser823Asn]CLAALSTACQ